The following is an entry in ClinVar:

NM_000451.4(SHOX):c.611C>A (p.Ala204Asp)

Gene: SHOX (SHOX homeobox; plus strand). Cytogenetic location: Xp22.33.
Variant type: single nucleotide variant.
Coding change: c.611C>A on transcript NM_000451.4 (MANE Select); coding-DNA position 611, C replaced by A.
Protein change: p.Ala204Asp; replaces alanine 204 with aspartic acid.
Molecular consequence: missense variant.
Genome position (GRCh38, 1-based): chrX:641,065, C>A. VCF-style: chrX-641065-C-A. GRCh37 (hg19) VCF-style: chrX-601800-C-A.
Other names: c.611C>A, p.Ala204Asp (NM_006883.2); short protein forms A204D.
Identifiers: ClinVar variation 2507118 (VCV002507118.2), dbSNP rs763473105, ClinGen allele CA412231892.

ClinVar aggregate classification (germline): Uncertain significance. Review status: criteria provided, multiple submitters, no conflicts (2 of 4 stars). 2 submissions from 2 submitters: Uncertain significance (2). Last evaluated 2025-10-10.

Submissions (2):

Women's Health and Genetics/Laboratory Corporation of America, LabCorp
Classification: Uncertain significance. Last evaluated: 2025-10-10. Review status: criteria provided, single submitter. Criteria: LabCorp Variant Classification Summary - May 2015. Collection method: clinical testing. Allele origin: germline.
Comment: Variant summary: SHOX c.611C>A (p.Ala204Asp) results in a non-conservative amino acid change in the encoded protein sequence. Algorithms developed to predict the effect of missense changes on protein structure and function are either unavailable or do not agree on the potential impact of this missense change. The variant was absent in 251160 control chromosomes. The available data on variant occurrences in the general population are insufficient to allow any conclusion about variant significance. To our knowledge, no occurrence of c.611C>A in individuals affected with SHOX-related conditions and no experimental evidence demonstrating its impact on protein function have been reported. ClinVar contains an entry for this variant (Variation ID: 2507118). Based on the evidence outlined above, the variant was classified as uncertain significance.

GeneDx
Classification: Uncertain significance. Last evaluated: 2022-12-29. Review status: criteria provided, single submitter. Criteria: GeneDx Variant Classification Process June 2021. Collection method: clinical testing. Allele origin: germline. Affected: yes.
Comment: Not observed at significant frequency in large population cohorts (gnomAD); In silico analysis supports that this missense variant has a deleterious effect on protein structure/function; Has not been previously published as pathogenic or benign to our knowledge